The following is an entry in ClinVar:

NM_000246.4(CIITA):c.802C>G (p.Pro268Ala)

Gene: CIITA (class II major histocompatibility complex transactivator; plus strand). Cytogenetic location: 16p13.13.
Variant type: single nucleotide variant.
Coding change: c.802C>G on transcript NM_000246.4 (MANE Select); coding-DNA position 802, C replaced by G.
Protein change: p.Pro268Ala; replaces proline 268 with alanine.
Molecular consequence: missense variant. On other transcripts: non-coding transcript variant (1).
Genome position (GRCh38, 1-based): chr16:10,903,760, C>G. VCF-style: chr16-10903760-C-G. GRCh37 (hg19) VCF-style: chr16-10997617-C-G.
Other names: c.805C>G, p.Pro269Ala (NM_001286402.1, NM_001379332.1); c.655C>G, p.Pro219Ala (NM_001286403.2, NM_001379331.1); c.658C>G, p.Pro220Ala (NM_001379330.1); c.802C>G, p.Pro268Ala (NM_001379333.1); c.733C>G, p.Pro245Ala (NM_001379334.1); short protein forms P220A, P245A, P269A, P268A, P219A.
Identifiers: ClinVar variation 1409229 (VCV001409229.7), dbSNP rs748582963, ClinGen allele CA7899920.

ClinVar aggregate classification (germline): Uncertain significance (1 of 4 stars; one submission).

Conditions:
MHC class II deficiency. Also called: BLS, TYPE II; Bare lymphocyte syndrome 2. Identifiers: Orphanet 572, MedGen C5447452, MONDO:0008855.

Allele frequency attached by ClinVar (database versions not stated): TOPMed below 0.00001; gnomAD 0.00001.
gnomAD v4.1: 8 of 1,614,026 alleles (0.0005%); highest among the groups gnomAD compares: Admixed American, 0.0017%; no homozygotes.

Submission:

Labcorp Genetics (formerly Invitae), Labcorp
Classification: Uncertain significance for MHC class II deficiency. Last evaluated: 2024-11-22. Review status: criteria provided, single submitter. Criteria: Invitae Variant Classification Sherloc (09022015). Collection method: clinical testing. Allele origin: germline.
Comment: This sequence change replaces proline, which is neutral and non-polar, with alanine, which is neutral and non-polar, at codon 268 of the CIITA protein (p.Pro268Ala). This variant is present in population databases (rs748582963, gnomAD 0.003%). This variant has not been reported in the literature in individuals affected with CIITA-related conditions. ClinVar contains an entry for this variant (Variation ID: 1409229). An algorithm developed to predict the effect of missense changes on protein structure and function outputs the following: PolyPhen-2: "Benign". The alanine amino acid residue is found in multiple mammalian species, which suggests that this missense change does not adversely affect protein function. In summary, the available evidence is currently insufficient to determine the role of this variant in disease. Therefore, it has been classified as a Variant of Uncertain Significance.